The following is an entry in ClinVar:

NM_007078.3(LDB3):c.1475C>A (p.Thr492Lys)

Gene: LDB3 (LIM domain binding 3; plus strand). Cytogenetic location: 10q23.2.
Variant type: single nucleotide variant.
Coding change: c.1475C>A on transcript NM_007078.3 (MANE Select); coding-DNA position 1475, C replaced by A.
Protein change: p.Thr492Lys; replaces threonine 492 with lysine.
Molecular consequence: missense variant.
Genome position (GRCh38, 1-based): chr10:86,716,570, C>A. VCF-style: chr10-86716570-C-A. GRCh37 (hg19) VCF-style: chr10-88476327-C-A.
Other names: c.1145C>A, p.Thr382Lys (NM_001080114.2); c.1490C>A, p.Thr497Lys (NM_001171610.2); c.1286C>A, p.Thr429Lys (NM_001368064.1, NM_001368065.1); c.1334C>A, p.Thr445Lys (NM_001368066.1); short protein forms T382K, T429K, T445K, T492K, T497K.
Identifiers: ClinVar variation 2574019 (VCV002574019.3), dbSNP rs397517216, ClinGen allele CA377450919.

ClinVar aggregate classification (germline): Uncertain significance (1 of 4 stars; one submission).

Conditions:
Long QT syndrome (LQTS). Identifiers: MedGen C0023976, MeSH D008133, MONDO:0002442. Disease mechanism: loss of function. Inheritance: Various modes of inheritance.

Submission:

Dept of Medical Biology, Uskudar University
Classification: Uncertain significance for Long QT syndrome. Last evaluated: 2024-01-08. Review status: criteria provided, single submitter. Criteria: Dept of Medical Biology Variant Classification. Collection method: research. Allele origin: paternal. Affected: yes. Observed: 1 variant allele.
Comment: Criteria: PM2